The following is an entry in ClinVar:

NM_020376.4(PNPLA2):c.738_739delinsAA (p.Arg247Ser)

Gene: PNPLA2 (patatin like domain 2, triacylglycerol lipase; plus strand). Cytogenetic location: 11p15.5.
Variant type: Indel.
Coding change: c.738_739delinsAA on transcript NM_020376.4 (MANE Select); coding-DNA positions 738 to 739, GC replaced by AA.
Protein change: p.Arg247Ser; replaces arginine 247 with serine.
Molecular consequence: missense variant.
Genome position (GRCh38, 1-based): chr11:823,568-823,569, GC replaced by AA. VCF-style: chr11-823568-GC-AA. GRCh37 (hg19) VCF-style: chr11-823568-GC-AA.
Other names: short protein forms R247S.
Identifiers: ClinVar variation 964959 (VCV000964959.8), dbSNP rs1845739283, ClinGen allele CA1139661735.

ClinVar aggregate classification (germline): Uncertain significance (1 of 4 stars; one submission).

Conditions:
Neutral lipid storage myopathy (NLSDM). Also called: NEUTRAL LIPID STORAGE DISEASE WITHOUT ICHTHYOSIS. Identifiers: Orphanet 98908, MedGen C1853136, MONDO:0012545, OMIM 610717.

Submission:

Labcorp Genetics (formerly Invitae), Labcorp
Classification: Uncertain significance for Neutral lipid storage myopathy. Last evaluated: 2021-02-22. Review status: criteria provided, single submitter. Criteria: Invitae Variant Classification Sherloc (09022015). Collection method: clinical testing. Allele origin: germline.
Comment: In summary, the available evidence is currently insufficient to determine the role of this variant in disease. Therefore, it has been classified as a Variant of Uncertain Significance. Experimental studies and prediction algorithms are not available or were not evaluated, and the functional significance of this variant is currently unknown. This variant has not been reported in the literature in individuals with PNPLA2-related conditions. This variant is not present in population databases (ExAC no frequency). This sequence change replaces arginine with serine at codon 247 of the PNPLA2 protein (p.Arg247Ser). The arginine residue is moderately conserved and there is a moderate physicochemical difference between arginine and serine.